The following is an entry in ClinVar:

NM_004667.6(HERC2):c.191A>G (p.Asp64Gly)

Gene: HERC2 (HECT and RLD domain containing E3 ubiquitin protein ligase 2; minus strand). Cytogenetic location: 15q13.1.
Variant type: single nucleotide variant.
Coding change: c.191A>G on transcript NM_004667.6 (MANE Select); coding-DNA position 191, A replaced by G.
Protein change: p.Asp64Gly; replaces aspartic acid 64 with glycine.
Molecular consequence: missense variant.
Genome position (GRCh38, 1-based): chr15:28,293,019, T>C on the plus strand (A>G on the coding strand, the complement: HERC2 is on the minus strand). VCF-style: chr15-28293019-T-C. GRCh37 (hg19) VCF-style: chr15-28538165-T-C.
Other names: c.191A>G (NM_004667.5); short protein forms D64G.
Identifiers: ClinVar variation 3284060 (VCV003284060.2).

ClinVar aggregate classification (germline): Conflicting classifications of pathogenicity. Review status: criteria provided, conflicting classifications (1 of 4 stars). 2 submissions from 2 submitters: Uncertain significance (1); Likely benign (1). Last evaluated 2024-05-21.

Conditions:
Inborn genetic diseases. Identifiers: MedGen C0950123, MeSH D030342.

gnomAD v4.1: 150 of 1,601,448 alleles (0.0094%); highest among the groups gnomAD compares: African/African-American, 0.19%; no homozygotes.

Submissions (2):

GeneDx
Classification: Uncertain significance. Last evaluated: 2024-05-21. Review status: criteria provided, single submitter. Criteria: GeneDx Variant Classification Process June 2021. Collection method: clinical testing. Allele origin: germline. Affected: yes.
Comment: In silico analysis indicates that this missense variant does not alter protein structure/function; Has not been previously published as pathogenic or benign to our knowledge

Ambry Genetics
Classification: Likely benign for Inborn genetic diseases. Last evaluated: 2024-03-19. Review status: criteria provided, single submitter. Criteria: Ambry Variant Classification Scheme 2023. Collection method: clinical testing. Allele origin: germline.